The following is an entry in ClinVar:

ClinVar aggregate classification (germline): Pathogenic. Review status: criteria provided, single submitter (1 of 4 stars). 2 submissions from 2 submitters: Pathogenic (1). 1 of the submissions does not count toward it. Last evaluated 2022-06-09.

Conditions:
3M syndrome 2. Also called: THREE M SYNDROME 2; 3-M Syndrome, OBSL1-Related. Identifiers: Orphanet 2616, MedGen C2752041, MONDO:0013039, OMIM 612921.

Submissions (2):

Department of Medical Genetics, Sanjay Gandhi Post Graduate Institute of Medical Sciences
Classification: Pathogenic for 3M syndrome 2. Last evaluated: 2022-06-09. Review status: criteria provided, single submitter. Criteria: ACMG Guidelines, 2015. Collection method: research. Allele origin: germline. Inheritance: Autosomal recessive inheritance. Affected: yes. Observed: 1 compound heterozygote.
Comment: This variant previously reported as pathogenic. ACMG classification is Pathogenic (PVS1,PM3).

Department of Molecular Biology and Genetics, Acibadem University
Classification: Pathogenic for 3M syndrome 2. Review status: no assertion criteria provided. Collection method: research. Allele origin: unknown. Inheritance: Autosomal recessive inheritance. Affected: yes. Not counted in ClinVar's aggregate classification.

Literature cited by the submitters: PubMed 37780995 (cited by Department of Medical Genetics, Sanjay Gandhi Post Graduate Institute of Medical Sciences).

NM_015311.3(OBSL1):c.848del (p.Gly283fs)

Gene: OBSL1 (obscurin like cytoskeletal adaptor 1; minus strand). Cytogenetic location: 2q35.
Variant type: Deletion.
Coding change: c.848del on transcript NM_015311.3 (MANE Select); coding-DNA position 848, one base deleted (G; older notation c.848delG).
Protein change: p.Gly283fs; shifts the reading frame from glycine 283.
Molecular consequence: frameshift variant.
Genome position (GRCh38, 1-based): chr2:219,570,385, C deleted on the plus strand (G on the coding strand, the reverse complement: OBSL1 is on the minus strand); the first of 3 consecutive C bases (chr2:219,570,385-219,570,387); deleting any one gives the same sequence. VCF-style (leftmost placement, unchanged base first): chr2-219570384-GC-G. GRCh37 (hg19) VCF-style: chr2-220435106-GC-G.
Other names: c.848delG (NM_015311.3); c.848del, p.Gly283fs (NM_001173408.2, NM_001173431.2); short protein forms G283fs.
Identifiers: ClinVar variation 870250 (VCV000870250.2), dbSNP rs773698181, ClinGen allele CA2131716.